The following is an entry in ClinVar:

ClinVar aggregate classification (germline): Uncertain significance (1 of 4 stars; one submission).

Conditions:
Baller-Gerold syndrome (BGS). Also called: CRANIOSYNOSTOSIS WITH RADIAL DEFECTS. Identifiers: Orphanet 1225, MedGen C0265308, MONDO:0009039, OMIM 218600.

Submission:

Labcorp Genetics (formerly Invitae), Labcorp
Classification: Uncertain significance for Baller-Gerold syndrome. Last evaluated: 2021-10-02. Review status: criteria provided, single submitter. Criteria: Invitae Variant Classification Sherloc (09022015). Collection method: clinical testing. Allele origin: germline.
Comment: In summary, the available evidence is currently insufficient to determine the role of this variant in disease. Therefore, it has been classified as a Variant of Uncertain Significance. Experimental studies and prediction algorithms are not available or were not evaluated, and the functional significance of this variant is currently unknown. This variant has not been reported in the literature in individuals affected with RECQL4-related conditions. This variant is not present in population databases (ExAC no frequency). This sequence change replaces valine with phenylalanine at codon 670 of the RECQL4 protein (p.Val670Phe). The valine residue is weakly conserved and there is a smal physicochemical difference between valine and phenylalanine.

NM_004260.4(RECQL4):c.2008G>T (p.Val670Phe)

Gene: RECQL4 (RecQ like helicase 4; minus strand). Cytogenetic location: 8q24.3.
Variant type: single nucleotide variant.
Coding change: c.2008G>T on transcript NM_004260.4 (MANE Select); coding-DNA position 2008, G replaced by T.
Protein change: p.Val670Phe; replaces valine 670 with phenylalanine.
Molecular consequence: missense variant.
Genome position (GRCh38, 1-based): chr8:144,513,978, C>A on the plus strand (G>T on the coding strand, the complement: RECQL4 is on the minus strand). VCF-style: chr8-144513978-C-A. GRCh37 (hg19) VCF-style: chr8-145739362-C-A.
Other names: short protein forms V670F.
Identifiers: ClinVar variation 1440560 (VCV001440560.6), dbSNP rs1484366007, ClinGen allele CA372680318.